The following is an entry in ClinVar:

ClinVar aggregate classification (germline): Uncertain significance (1 of 4 stars; one submission).

Conditions:
Hereditary cancer-predisposing syndrome. Also called: Neoplastic Syndromes, Hereditary; Tumor predisposition; Hereditary neoplastic syndrome; Hereditary Cancer Syndrome. Identifiers: Orphanet 140162, MedGen C0027672, MeSH D009386, MONDO:0015356.

Submission:

Ambry Genetics
Classification: Uncertain significance for Hereditary cancer-predisposing syndrome. Last evaluated: 2022-12-06. Review status: criteria provided, single submitter. Criteria: Ambry Variant Classification Scheme 2023. Collection method: clinical testing. Allele origin: germline.
Comment: The p.V71G variant (also known as c.212T>G), located in coding exon 4 of the BAP1 gene, results from a T to G substitution at nucleotide position 212. The valine at codon 71 is replaced by glycine, an amino acid with dissimilar properties. This amino acid position is conserved. In addition, the in silico prediction for this alteration is inconclusive. Since supporting evidence is limited at this time, the clinical significance of this alteration remains unclear.

NM_004656.4(BAP1):c.212T>G (p.Val71Gly)

Gene: BAP1 (BRCA1 associated deubiquitinase 1; minus strand). Cytogenetic location: 3p21.1.
Variant type: single nucleotide variant.
Coding change: c.212T>G on transcript NM_004656.4 (MANE Select); coding-DNA position 212, T replaced by G.
Protein change: p.Val71Gly; replaces valine 71 with glycine.
Molecular consequence: missense variant.
Genome position (GRCh38, 1-based): chr3:52,408,517, A>C on the plus strand (T>G on the coding strand, the complement: BAP1 is on the minus strand). VCF-style: chr3-52408517-A-C. GRCh37 (hg19) VCF-style: chr3-52442533-A-C.
Other names: c.212T>G, p.Val71Gly (NM_001410772.1); short protein forms V71G.
Identifiers: ClinVar variation 2450427 (VCV002450427.2), dbSNP rs1705236390, ClinGen allele CA353113208.
Genomic context (GRCh38, chr3:52,408,517, plus strand): 5'-CACAGAGTCCAGCAGACCTGGTGGGCAAAGAACATGTTATTCACAATATCATCATCAATC[A>C]CGGACGTATCATCCACCAAGGTAGAGACCTTTCGCCGGGACCGGCGCTCTTCGATCCATT-3'
Protein context (NP_004647.1, residues 61-81): KVSTLVDDTS[Val71Gly]IDDDIVNNMF